The following is an entry in ClinVar:

ClinVar aggregate classification (germline): Uncertain significance (1 of 4 stars; one submission).

Conditions:
FRAS1-related disorder. Also called: FRAS1-related condition.

Submission:

PreventionGenetics, part of Exact Sciences
Classification: Uncertain significance for FRAS1-related condition. Last evaluated: 2025-08-01. Review status: criteria provided, single submitter. Criteria: ACMG Guidelines, 2015. Collection method: clinical testing. Allele origin: germline.
Comment: The FRAS1 c.1945C>G variant is predicted to result in the amino acid substitution p.His649Asp. To our knowledge, this variant has not been reported in the literature or in a large population database (gnomAD), indicating this variant is rare. At this time, the clinical significance of this variant is uncertain due to the absence of conclusive functional and genetic evidence.

NM_025074.7(FRAS1):c.1945C>G (p.His649Asp)

Gene: FRAS1 (Fraser extracellular matrix complex subunit 1; plus strand). Cytogenetic location: 4q21.21.
Variant type: single nucleotide variant.
Coding change: c.1945C>G on transcript NM_025074.7 (MANE Select); coding-DNA position 1945, C replaced by G.
Protein change: p.His649Asp; replaces histidine 649 with aspartic acid.
Molecular consequence: missense variant.
Genome position (GRCh38, 1-based): chr4:78,317,493, C>G. VCF-style: chr4-78317493-C-G. GRCh37 (hg19) VCF-style: chr4-79238647-C-G.
Other names: c.1945C>G, p.His649Asp (NM_001166133.2); short protein forms H649D.
Identifiers: ClinVar variation 4996922 (VCV004996922.1).